The following is an entry in ClinVar:

NM_001873.4(CPE):c.1387T>C (p.Leu463=)

Gene: CPE (carboxypeptidase E; plus strand). Cytogenetic location: 4q32.3.
Variant type: single nucleotide variant.
Coding change: c.1387T>C on transcript NM_001873.4 (MANE Select); coding-DNA position 1387, T replaced by C.
Protein change: p.Leu463=; no amino-acid change (leucine 463 retained).
Molecular consequence: synonymous variant.
Genome position (GRCh38, 1-based): chr4:165,497,566, T>C. VCF-style: chr4-165497566-T-C. GRCh37 (hg19) VCF-style: chr4-166418718-T-C.
Other names: c.1387T>C (NM_001873.3).
Identifiers: ClinVar variation 4697885 (VCV004697885.2).
Genomic context (GRCh38, chr4:165,497,566, plus strand): 5'-TTTTAGGTTGATTTTGAACTGGAGTCATTTTCTGAAAGGAAAGAAGAGGAGAAGGAAGAA[T>C]TGATGGAATGGTGGAAAATGATGTCAGAAACTTTAAATTTTTAAAAAGGCTTCTAGTTAG-3'
Protein context (NP_001864.1, residues 453-473): SERKEEEKEE[Leu463=]MEWWKMMSET

ClinVar aggregate classification (germline): Likely benign. Review status: criteria provided, multiple submitters, no conflicts (2 of 4 stars). 2 submissions from 2 submitters: Likely benign (2). Last evaluated 2026-03-31.

Conditions:
CPE-related disorder. Also called: CPE-related condition.

gnomAD v4.1: 1 of 1,581,124 alleles (0.000063%); highest among the groups gnomAD compares: African/African-American, 0.0014%; no homozygotes.

Submissions (2):

PreventionGenetics, part of Exact Sciences
Classification: Likely benign for CPE-related condition. Last evaluated: 2026-03-31. Review status: criteria provided, single submitter. Criteria: ACMG Guidelines, 2015. Collection method: clinical testing. Allele origin: germline.
Comment: This variant is classified as likely benign based on ACMG/AMP sequence variant interpretation guidelines (Richards et al. 2015 PMID: 25741868, with internal and published modifications).

Labcorp Genetics (formerly Invitae), Labcorp
Classification: Likely benign. Last evaluated: 2025-05-17. Review status: criteria provided, single submitter. Criteria: Invitae Variant Classification Sherloc (09022015). Collection method: clinical testing. Allele origin: germline.